The following is an entry in ClinVar:

ClinVar aggregate classification (germline): Uncertain significance. Review status: criteria provided, multiple submitters, no conflicts (2 of 4 stars). 3 submissions from 3 submitters: Uncertain significance (3). Last evaluated 2025-03-25.

Conditions:
Inborn genetic diseases. Identifiers: MedGen C0950123, MeSH D030342.
Fanconi anemia (FA). Also called: Fanconi's anemia. Identifiers: Orphanet 84, MedGen C0015625, MeSH D005199, MONDO:0019391.

Submissions (3):

Ambry Genetics
Classification: Uncertain significance for Inborn genetic diseases. Last evaluated: 2025-03-25. Review status: criteria provided, single submitter. Criteria: Ambry Variant Classification Scheme 2023. Collection method: clinical testing. Allele origin: germline.
Comment: The p.N1989H variant (also known as c.5965A>C), located in coding exon 22 of the FANCM gene, results from an A to C substitution at nucleotide position 5965. The asparagine at codon 1989 is replaced by histidine, an amino acid with similar properties. This amino acid position is conserved. In addition, this alteration is predicted to be tolerated by in silico analysis. Based on the available evidence, the clinical significance of this variant remains unclear.

GeneDx
Classification: Uncertain significance. Last evaluated: 2022-12-08. Review status: criteria provided, single submitter. Criteria: GeneDx Variant Classification Process June 2021. Collection method: clinical testing. Allele origin: germline. Affected: yes.
Comment: Not observed at significant frequency in large population cohorts (gnomAD); In silico analysis supports that this missense variant has a deleterious effect on protein structure/function; Has not been previously published as pathogenic or benign to our knowledge

Labcorp Genetics (formerly Invitae), Labcorp
Classification: Uncertain significance for Fanconi anemia. Last evaluated: 2022-12-07. Review status: criteria provided, single submitter. Criteria: Invitae Variant Classification Sherloc (09022015). Collection method: clinical testing. Allele origin: germline.
Comment: This variant has not been reported in the literature in individuals affected with FANCM-related conditions. In summary, the available evidence is currently insufficient to determine the role of this variant in disease. Therefore, it has been classified as a Variant of Uncertain Significance. Algorithms developed to predict the effect of missense changes on protein structure and function are either unavailable or do not agree on the potential impact of this missense change (SIFT: "Tolerated"; PolyPhen-2: "Probably Damaging"; Align-GVGD: "Class C0"). This variant is not present in population databases (gnomAD no frequency). This sequence change replaces asparagine, which is neutral and polar, with histidine, which is basic and polar, at codon 1989 of the FANCM protein (p.Asn1989His).

NM_020937.4(FANCM):c.5965A>C (p.Asn1989His)

Gene: FANCM (FA complementation group M; plus strand). Cytogenetic location: 14q21.2.
Variant type: single nucleotide variant.
Coding change: c.5965A>C on transcript NM_020937.4 (MANE Select); coding-DNA position 5965, A replaced by C.
Protein change: p.Asn1989His; replaces asparagine 1989 with histidine.
Molecular consequence: missense variant.
Genome position (GRCh38, 1-based): chr14:45,198,892, A>C. VCF-style: chr14-45198892-A-C. GRCh37 (hg19) VCF-style: chr14-45668095-A-C.
Other names: c.5887A>C, p.Asn1963His (NM_001308133.2); short protein forms N1963H, N1989H.
Identifiers: ClinVar variation 2505045 (VCV002505045.5), dbSNP rs2503281199, ClinGen allele CA389587591.